The following is an entry in ClinVar:

ClinVar aggregate classification (germline): Likely benign. Review status: criteria provided, multiple submitters, no conflicts (2 of 4 stars). 3 submissions from 3 submitters: Likely benign (3). Last evaluated 2025-04-09.

Conditions:
DRAM2-related disorder. Also called: DRAM2-related condition.

Allele frequency attached by ClinVar (database versions not stated): ExAC 0.00003; gnomAD exomes 0.00006; gnomAD 0.00009 and 0.00011; TOPMed 0.00011; ESP Exome Variant Server 0.00015; 1000 Genomes Project 30x 0.00016; 1000 Genomes Project 0.00020.
gnomAD v4.1: 104 of 1,613,524 alleles (0.0064%); highest among the groups gnomAD compares: Admixed American, 0.025%; no homozygotes.

Submissions (3):

Labcorp Genetics (formerly Invitae), Labcorp
Classification: Likely benign. Last evaluated: 2025-04-09. Review status: criteria provided, single submitter. Criteria: Invitae Variant Classification Sherloc (09022015). Collection method: clinical testing. Allele origin: germline.

PreventionGenetics, part of Exact Sciences
Classification: Likely benign for DRAM2-related condition. Last evaluated: 2025-01-08. Review status: criteria provided, single submitter. Criteria: ACMG Guidelines, 2015. Collection method: clinical testing. Allele origin: germline.
Comment: This variant is classified as likely benign based on ACMG/AMP sequence variant interpretation guidelines (Richards et al. 2015 PMID: 25741868, with internal and published modifications).

Blueprint Genetics
Classification: Likely benign. Last evaluated: 2024-11-13. Review status: criteria provided, single submitter. Criteria: ACMG Guidelines, 2015. Collection method: clinical testing. Allele origin: germline.

NM_001349884.2(DRAM2):c.306T>C (p.Ser102=)

Gene: DRAM2 (DNA damage regulated autophagy modulator 2; minus strand). Cytogenetic location: 1p13.3.
Variant type: single nucleotide variant.
Coding change: c.306T>C on transcript NM_001349884.2 (MANE Select); coding-DNA position 306, T replaced by C.
Protein change: p.Ser102=; no amino-acid change (serine 102 retained).
Molecular consequence: synonymous variant. On other transcripts: 5 prime UTR variant (1), non-coding transcript variant (3), intron variant (7).
Genome position (GRCh38, 1-based): chr1:111,124,775, A>G on the plus strand (T>C on the coding strand, the complement: DRAM2 is on the minus strand). VCF-style: chr1-111124775-A-G. GRCh37 (hg19) VCF-style: chr1-111667397-A-G.
Other names: c.306T>C, p.Ser102= (NM_001349881.2, NM_001349882.2, NM_001349885.2 and 1 more transcripts); c.-113T>C (NM_001349891.2); c.-52+1452T>C (NM_001349889.2, NM_001349890.2, NM_001349892.2 and 1 more transcripts); c.41+1452T>C (NM_001349887.2, NM_001349886.2, NM_001349888.2).
Identifiers: ClinVar variation 733284 (VCV000733284.13), dbSNP rs369428232, ClinGen allele CA1001875.